The following is an entry in ClinVar:

NM_001367871.1(FBRSL1):c.175_211del (p.Pro59fs)

Gene: FBRSL1 (fibrosin like 1; plus strand). Cytogenetic location: 12q24.33.
Variant type: Deletion.
Coding change: c.175_211del on transcript NM_001367871.1 (MANE Select); coding-DNA positions 175 to 211, 37 bases deleted.
Protein change: p.Pro59fs; shifts the reading frame from proline 59.
Molecular consequence: frameshift variant. On other transcripts: non-coding transcript variant (1).
Genome position (GRCh38, 1-based): chr12:132,490,745-132,490,781, 37 bases deleted; deleting any 37 consecutive bases within chr12:132,490,738-132,490,781 gives the same sequence; the c. name uses the placement nearest the transcript's 3' end. GRCh37 (hg19): chr12:133,067,331-133,067,367.
Other names: c.175_211del, p.Pro59fs (NM_001142641.2, NM_001382739.1, NM_001382740.1 and 2 more transcripts); short protein forms P59fs.
Identifiers: ClinVar variation 4976564 (VCV004976564.1).

ClinVar aggregate classification (germline): Uncertain significance (1 of 4 stars; one submission).

Submission:

GeneDx
Classification: Uncertain significance. Last evaluated: 2026-02-10. Review status: criteria provided, single submitter. Criteria: GeneDx Variant Classification Process June 2021. Collection method: clinical testing. Allele origin: germline.
Comment: Frameshift variant predicted to result in protein truncation or nonsense mediated decay in a gene for which loss of function is a known mechanism of disease; Not observed at significant frequency in large population cohorts (gnomAD); Has not been previously published as pathogenic or benign to our knowledge